The following is an entry in ClinVar:

NM_006160.4(NEUROD2):c.72C>G (p.Gly24=)

Gene: NEUROD2 (neuronal differentiation 2; minus strand). Cytogenetic location: 17q12.
Variant type: single nucleotide variant.
Coding change: c.72C>G on transcript NM_006160.4 (MANE Select); coding-DNA position 72, C replaced by G.
Protein change: p.Gly24=; no amino-acid change (glycine 24 retained).
Molecular consequence: synonymous variant.
Genome position (GRCh38, 1-based): chr17:39,606,528, G>C on the plus strand (C>G on the coding strand, the complement: NEUROD2 is on the minus strand). VCF-style: chr17-39606528-G-C. GRCh37 (hg19) VCF-style: chr17-37762781-G-C.
Identifiers: ClinVar variation 3257280 (VCV003257280.17).
Genomic context (GRCh38, chr17:39,606,528, plus strand): 5'-GGGCGCAGGCGGTGGCGGTGGCGGCGCGTCGCCCTTGTCGCTCCTCGGCTCGTCGTCTTC[G>C]CCGTCGCCCCAGCTGGCGAACTTGGGCACGTCCGAGAGAAGGCCGGGCTCGCTGAACAGG-3'
Protein context (NP_006151.3, residues 14-34): DVPKFASWGD[Gly24=]EDDEPRSDKG

ClinVar aggregate classification (germline): Likely benign (1 of 4 stars; one submission).

gnomAD v4.1: 33 of 1,571,876 alleles (0.0021%); highest among the groups gnomAD compares: Non-Finnish European, 0.0027%; no homozygotes.

Submission:

CeGaT Center for Human Genetics Tuebingen
Classification: Likely benign. Last evaluated: 2024-07-01. Review status: criteria provided, single submitter. Criteria: CeGaT Center For Human Genetics Tuebingen Variant Classification Criteria Version 2. Collection method: clinical testing. Allele origin: germline. Affected: yes. Observed: 1 variant allele.
Comment: NEUROD2: BP4